The following is an entry in ClinVar:

NM_001377.3(DYNC2H1):c.1868T>C (p.Phe623Ser)

Gene: DYNC2H1 (dynein cytoplasmic 2 heavy chain 1; plus strand). Cytogenetic location: 11q22.3.
Variant type: single nucleotide variant.
Coding change: c.1868T>C on transcript NM_001377.3 (MANE Select); coding-DNA position 1868, T replaced by C.
Protein change: p.Phe623Ser; replaces phenylalanine 623 with serine.
Molecular consequence: missense variant.
Genome position (GRCh38, 1-based): chr11:103,128,920, T>C. VCF-style: chr11-103128920-T-C. GRCh37 (hg19) VCF-style: chr11-102999649-T-C.
Other names: c.1868T>C, p.Phe623Ser (NM_001080463.2); short protein forms F623S.
Identifiers: ClinVar variation 1487024 (VCV001487024.6), dbSNP rs2134749282, ClinGen allele CA382256028.

ClinVar aggregate classification (germline): Uncertain significance (1 of 4 stars; one submission).

Conditions:
Jeune thoracic dystrophy. Also called: Jeune syndrome; Infantile thoracic dystrophy; Thoracic pelvic phalangeal dystrophy; Jeune's syndrome; Chondroectodermal dysplasia-like syndrome; Short-rib thoracic dysplasia. Identifiers: Orphanet 474, MedGen C0265275, MONDO:0018770.

Submission:

Labcorp Genetics (formerly Invitae), Labcorp
Classification: Uncertain significance for Jeune thoracic dystrophy. Last evaluated: 2024-05-20. Review status: criteria provided, single submitter. Criteria: Invitae Variant Classification Sherloc (09022015). Collection method: clinical testing. Allele origin: germline.
Comment: This sequence change replaces phenylalanine, which is neutral and non-polar, with serine, which is neutral and polar, at codon 623 of the DYNC2H1 protein (p.Phe623Ser). This variant is not present in population databases (gnomAD no frequency). This variant has not been reported in the literature in individuals affected with DYNC2H1-related conditions. ClinVar contains an entry for this variant (Variation ID: 1487024). Advanced modeling of protein sequence and biophysical properties (such as structural, functional, and spatial information, amino acid conservation, physicochemical variation, residue mobility, and thermodynamic stability) performed at Invitae indicates that this missense variant is expected to disrupt DYNC2H1 protein function with a positive predictive value of 95%. In summary, the available evidence is currently insufficient to determine the role of this variant in disease. Therefore, it has been classified as a Variant of Uncertain Significance.